The following is an entry in ClinVar:

ClinVar aggregate classification (germline): Uncertain significance (1 of 4 stars; one submission).

Submission:

GeneDx
Classification: Uncertain significance. Last evaluated: 2019-06-12. Review status: criteria provided, single submitter. Criteria: GeneDx Variant Classification Process June 2021. Collection method: clinical testing. Allele origin: germline. Affected: yes.
Comment: Not observed in large population cohorts (Lek et al., 2016); In silico analysis, which includes splice predictors and evolutionary conservation, supports a deleterious effect; Has not been previously published as pathogenic or benign to our knowledge

NM_019597.5(HNRNPH2):c.1010C>T (p.Thr337Ile)

Genes: HNRNPH2 (heterogeneous nuclear ribonucleoprotein H2; plus strand), RPL36A-HNRNPH2 (RPL36A-HNRNPH2 readthrough; plus strand). Cytogenetic location: Xq22.1.
Variant type: single nucleotide variant.
Coding change: c.1010C>T on transcript NM_019597.5 (MANE Select); coding-DNA position 1010, C replaced by T.
Protein change: p.Thr337Ile; replaces threonine 337 with isoleucine.
Molecular consequence: missense variant. On other transcripts: 3 prime UTR variant (2).
Genome position (GRCh38, 1-based): chrX:101,412,998, C>T. VCF-style: chrX-101412998-C-T. GRCh37 (hg19) VCF-style: chrX-100667986-C-T.
Other names: c.*1006C>T (NM_001199973.2, NM_001199974.2); c.1010C>T, p.Thr337Ile (NM_001032393.3); short protein forms T337I.
Identifiers: ClinVar variation 1306179 (VCV001306179.2), dbSNP rs2147495341, ClinGen allele CA413944347.